The following is an entry in ClinVar:

NM_139319.3(SLC17A8):c.504G>A (p.Ser168=)

Gene: SLC17A8 (solute carrier family 17 member 8; plus strand). Cytogenetic location: 12q23.1.
Variant type: single nucleotide variant.
Coding change: c.504G>A on transcript NM_139319.3 (MANE Select); coding-DNA position 504, G replaced by A.
Protein change: p.Ser168=; no amino-acid change (serine 168 retained).
Molecular consequence: synonymous variant.
Genome position (GRCh38, 1-based): chr12:100,393,399, G>A. VCF-style: chr12-100393399-G-A. GRCh37 (hg19) VCF-style: chr12-100787177-G-A.
Other names: c.504G>A, p.Ser168= (NM_001145288.2).
Identifiers: ClinVar variation 2643231 (VCV002643231.25), dbSNP rs148620473, ClinGen allele CA6738775.

ClinVar aggregate classification (germline): Likely benign. Review status: criteria provided, multiple submitters, no conflicts (2 of 4 stars). 2 submissions from 2 submitters: Likely benign (2). Last evaluated 2024-07-17.

Allele frequency attached by ClinVar (database versions not stated): ExAC 0.00003; gnomAD 0.00003; TOPMed 0.00005; ESP Exome Variant Server 0.00015.
gnomAD v4.1: 90 of 1,613,488 alleles (0.0056%); highest among the groups gnomAD compares: South Asian, 0.0066%; no homozygotes.

Submissions (2):

Blueprint Genetics
Classification: Likely benign. Last evaluated: 2024-07-17. Review status: criteria provided, single submitter. Criteria: ACMG Guidelines, 2015. Collection method: clinical testing. Allele origin: germline.

CeGaT Center for Human Genetics Tuebingen
Classification: Likely benign. Last evaluated: 2023-02-01. Review status: criteria provided, single submitter. Criteria: CeGaT Center For Human Genetics Tuebingen Variant Classification Criteria Version 2. Collection method: clinical testing. Allele origin: germline. Affected: yes. Observed: 1 variant allele.
Comment: SLC17A8: BP4, BP7